The following is an entry in ClinVar:

NM_001297595.2(SIN3B):c.2727G>T (p.Trp909Cys)

Gene: SIN3B (SIN3 transcription regulator family member B; plus strand). Cytogenetic location: 19p13.11.
Variant type: single nucleotide variant.
Coding change: c.2727G>T on transcript NM_001297595.2 (MANE Select); coding-DNA position 2727, G replaced by T.
Protein change: p.Trp909Cys; replaces tryptophan 909 with cysteine.
Molecular consequence: missense variant.
Genome position (GRCh38, 1-based): chr19:16,876,189, G>T. VCF-style: chr19-16876189-G-T. GRCh37 (hg19) VCF-style: chr19-16987000-G-T.
Other names: c.1497G>T, p.Trp499Cys (NM_001297597.2); c.2823G>T, p.Trp941Cys (NM_015260.4); short protein forms W499C, W909C, W941C.
Identifiers: ClinVar variation 3364774 (VCV003364774.1).

ClinVar aggregate classification (germline): Uncertain significance (1 of 4 stars; one submission).

Submission:

GeneDx
Classification: Uncertain significance. Last evaluated: 2023-11-21. Review status: criteria provided, single submitter. Criteria: GeneDx Variant Classification Process June 2021. Collection method: clinical testing. Allele origin: germline. Affected: yes.
Comment: Not observed at significant frequency in large population cohorts (gnomAD); In silico analysis supports that this missense variant has a deleterious effect on protein structure/function; Has not been previously published as pathogenic or benign to our knowledge